The following is an entry in ClinVar:

ClinVar aggregate classification (germline): Uncertain significance (1 of 4 stars; one submission).

Submission:

GeneDx
Classification: Uncertain significance. Last evaluated: 2022-12-19. Review status: criteria provided, single submitter. Criteria: GeneDx Variant Classification Process June 2021. Collection method: clinical testing. Allele origin: germline. Affected: yes.
Comment: Not observed at significant frequency in large population cohorts (gnomAD); Missense variants in this gene are often considered pathogenic (HGMD); In silico analysis supports that this missense variant does not alter protein structure/function; Has not been previously published as pathogenic or benign to our knowledge

NM_001184880.2(PCDH19):c.1861A>G (p.Asn621Asp)

Gene: PCDH19 (protocadherin 19; minus strand). Cytogenetic location: Xq22.1.
Variant type: single nucleotide variant.
Coding change: c.1861A>G on transcript NM_001184880.2 (MANE Select); coding-DNA position 1861, A replaced by G.
Protein change: p.Asn621Asp; replaces asparagine 621 with aspartic acid.
Molecular consequence: missense variant.
Genome position (GRCh38, 1-based): chrX:100,406,737, T>C on the plus strand (A>G on the coding strand, the complement: PCDH19 is on the minus strand). VCF-style: chrX-100406737-T-C. GRCh37 (hg19) VCF-style: chrX-99661735-T-C.
Other names: c.1861A>G, p.Asn621Asp (NM_001105243.2, NM_020766.3); short protein forms N621D.
Identifiers: ClinVar variation 2505925 (VCV002505925.1), dbSNP rs2520977731, ClinGen allele CA414001803.